The following is an entry in ClinVar:

NM_205836.3(FBXO38):c.3390C>A (p.Ser1130Arg)

Gene: FBXO38 (F-box protein 38; plus strand). Cytogenetic location: 5q32.
Variant type: single nucleotide variant.
Coding change: c.3390C>A on transcript NM_205836.3 (MANE Select); coding-DNA position 3390, C replaced by A.
Protein change: p.Ser1130Arg; replaces serine 1130 with arginine.
Molecular consequence: missense variant.
Genome position (GRCh38, 1-based): chr5:148,441,970, C>A. VCF-style: chr5-148441970-C-A. GRCh37 (hg19) VCF-style: chr5-147821533-C-A.
Other names: c.2655C>A, p.Ser885Arg (NM_001271723.2); c.3165C>A, p.Ser1055Arg (NM_030793.5); short protein forms S1055R, S1130R, S885R.
Identifiers: ClinVar variation 1363313 (VCV001363313.6), dbSNP rs1203605915, ClinGen allele CA361661522.

ClinVar aggregate classification (germline): Uncertain significance (1 of 4 stars; one submission).

Conditions:
Distal hereditary motor neuropathy type 2. Identifiers: Orphanet 139525, MedGen C3711384, MeSH C580044, MONDO:0015352.

Allele frequency attached by ClinVar (database versions not stated): gnomAD exomes below 0.00001; TOPMed below 0.00001; gnomAD 0.00001.
gnomAD v4.1: 3 of 1,606,642 alleles (0.00019%); highest among the groups gnomAD compares: Non-Finnish European, 0.00025%; no homozygotes.

Submission:

Labcorp Genetics (formerly Invitae), Labcorp
Classification: Uncertain significance for Distal hereditary motor neuropathy type 2. Last evaluated: 2024-02-12. Review status: criteria provided, single submitter. Criteria: Invitae Variant Classification Sherloc (09022015). Collection method: clinical testing. Allele origin: germline.
Comment: This sequence change replaces serine, which is neutral and polar, with arginine, which is basic and polar, at codon 1055 of the FBXO38 protein (p.Ser1055Arg). This variant is not present in population databases (gnomAD no frequency). This variant has not been reported in the literature in individuals affected with FBXO38-related conditions. ClinVar contains an entry for this variant (Variation ID: 1363313). An algorithm developed to predict the effect of missense changes on protein structure and function (PolyPhen-2) suggests that this variant is likely to be tolerated. In summary, the available evidence is currently insufficient to determine the role of this variant in disease. Therefore, it has been classified as a Variant of Uncertain Significance.